The following is an entry in ClinVar:

ClinVar aggregate classification (germline): Likely benign (1 of 4 stars; one submission).

Submission:

CeGaT Center for Human Genetics Tuebingen
Classification: Likely benign. Last evaluated: 2024-03-01. Review status: criteria provided, single submitter. Criteria: CeGaT Center For Human Genetics Tuebingen Variant Classification Criteria Version 2. Collection method: clinical testing. Allele origin: germline. Affected: yes. Observed: 3 variant alleles.
Comment: COL4A4: PM2:Supporting, BP4, BP7

NM_000092.5(COL4A4):c.4380T>A (p.Pro1460=)

Gene: COL4A4 (collagen type IV alpha 4 chain; minus strand). Cytogenetic location: 2q36.3.
Variant type: single nucleotide variant.
Coding change: c.4380T>A on transcript NM_000092.5 (MANE Select); coding-DNA position 4380, T replaced by A.
Protein change: p.Pro1460=; no amino-acid change (proline 1460 retained).
Molecular consequence: synonymous variant.
Genome position (GRCh38, 1-based): chr2:227,010,455, A>T on the plus strand (T>A on the coding strand, the complement: COL4A4 is on the minus strand). VCF-style: chr2-227010455-A-T. GRCh37 (hg19) VCF-style: chr2-227875171-A-T.
Identifiers: ClinVar variation 2651954 (VCV002651954.24), dbSNP rs1963413557, ClinGen allele CA431492822.
Genomic context (GRCh38, chr2:227,010,455, plus strand): 5'-GCAGGTGGGCTCCTGGTCCGTCTGACTGTGGAGAACCAGGAGGAAGCCACCGAGGTATCC[A>T]GGGCCAAACCCTTTGGGCCCAGGATCCCCAATGGGACCAGGAGGCCCTGGAGGAACAAAG-3'
Protein context (NP_000083.3, residues 1450-1470): IGDPGPKGFG[Pro1460=]GYLGGFLLVL